The following is an entry in ClinVar:

ClinVar aggregate classification (germline): Uncertain significance (1 of 4 stars; one submission).

gnomAD v4.1: 8 of 1,335,854 alleles (0.0006%); highest among the groups gnomAD compares: Non-Finnish European, 0.00059%; no homozygotes.

Submission:

Labcorp Genetics (formerly Invitae), Labcorp
Classification: Uncertain significance. Last evaluated: 2025-06-02. Review status: criteria provided, single submitter. Criteria: Invitae Variant Classification Sherloc (09022015). Collection method: clinical testing. Allele origin: germline.
Comment: This sequence change replaces alanine, which is neutral and non-polar, with serine, which is neutral and polar, at codon 361 of the DVL1 protein (p.Ala361Ser). This variant is present in population databases (no rsID available, gnomAD 0.004%). This variant has not been reported in the literature in individuals affected with DVL1-related conditions. ClinVar contains an entry for this variant (Variation ID: 1970013). Invitae Evidence Modeling of protein sequence and biophysical properties (such as structural, functional, and spatial information, amino acid conservation, physicochemical variation, residue mobility, and thermodynamic stability) indicates that this missense variant is not expected to disrupt DVL1 protein function with a negative predictive value of 80%. In summary, the available evidence is currently insufficient to determine the role of this variant in disease. Therefore, it has been classified as a Variant of Uncertain Significance.

NM_001330311.2(DVL1):c.1081G>T (p.Ala361Ser)

Gene: DVL1 (dishevelled segment polarity protein 1; minus strand). Cytogenetic location: 1p36.33.
Variant type: single nucleotide variant.
Coding change: c.1081G>T on transcript NM_001330311.2 (MANE Select); coding-DNA position 1081, G replaced by T.
Protein change: p.Ala361Ser; replaces alanine 361 with serine.
Molecular consequence: missense variant.
Genome position (GRCh38, 1-based): chr1:1,339,413, C>A on the plus strand (G>T on the coding strand, the complement: DVL1 is on the minus strand). VCF-style: chr1-1339413-C-A. GRCh37 (hg19) VCF-style: chr1-1274793-C-A.
Other names: c.1081G>T, p.Ala361Ser (NM_004421.3); short protein forms A361S.
Identifiers: ClinVar variation 1970013 (VCV001970013.5), dbSNP rs761519572, ClinGen allele CA337867548.
Genomic context (GRCh38, chr1:1,339,413, plus strand): 5'-GACTCGTACCGTAGCGGGGCAGGGCTCCTGTCAGTGCCGCCGTGTGGGACAGCCAGGCGG[C>A]GGGGTCGATGGGCCGCACCGGGTCAGCTGGGTGGCCGCCACGTGGCGATGACAGGCGGAC-3'
Protein context (NP_001317240.1, residues 351-371): RADPVRPIDP[Ala361Ser]AWLSHTAALT